The following is an entry in ClinVar:

ClinVar aggregate classification (germline): Likely benign. Review status: criteria provided, multiple submitters, no conflicts (2 of 4 stars). 3 submissions from 3 submitters: Likely benign (2). 1 of the submissions does not count toward it. Last evaluated 2025-12-31.

Conditions:
PGM3-related disorder. Also called: PGM3-related condition.
Immunodeficiency 23 (IMD23). Also called: IMMUNODEFICIENCY WITH HYPER IgE AND COGNITIVE IMPAIRMENT; IMMUNODEFICIENCY-VASCULITIS-MYOCLONUS SYNDROME. Identifiers: Orphanet 443811, MedGen C4014371, MONDO:0014353, OMIM 615816.

Allele frequency attached by ClinVar (database versions not stated): gnomAD exomes 0.00002 and 0.00005; ExAC 0.00009; gnomAD 0.00026 and 0.00030; TOPMed 0.00035.
gnomAD v4.1: 69 of 1,535,232 alleles (0.0045%); highest among the groups gnomAD compares: African/African-American, 0.085%; no homozygotes.

Submissions (3):

Labcorp Genetics (formerly Invitae), Labcorp
Classification: Likely benign for Immunodeficiency 23. Last evaluated: 2025-12-31. Review status: criteria provided, single submitter. Criteria: Invitae Variant Classification Sherloc (09022015). Collection method: clinical testing. Allele origin: germline.

Blueprint Genetics
Classification: Likely benign. Last evaluated: 2022-06-03. Review status: criteria provided, single submitter. Criteria: ACMG Guidelines, 2015. Collection method: clinical testing. Allele origin: germline.

PreventionGenetics, part of Exact Sciences
Classification: Likely benign for PGM3-related condition. Last evaluated: 2019-10-28. Review status: no assertion criteria provided. Collection method: clinical testing. Allele origin: germline. Not counted in ClinVar's aggregate classification.
Comment: This variant is classified as likely benign based on ACMG/AMP sequence variant interpretation guidelines (Richards et al. 2015 PMID: 25741868, with internal and published modifications).

NM_015599.3(PGM3):c.-2-225C>T

Gene: PGM3 (phosphoglucomutase 3; minus strand). Cytogenetic location: 6q14.1.
Variant type: single nucleotide variant.
Coding change: c.-2-225C>T on transcript NM_015599.3 (MANE Select); 225 bases into the intron before 2 bases upstream of the start codon, C replaced by T.
Molecular consequence: intron variant. On other transcripts: synonymous variant (2).
Genome position (GRCh38, 1-based): chr6:83,191,239, G>A on the plus strand (C>T on the coding strand, the complement: PGM3 is on the minus strand). VCF-style: chr6-83191239-G-A. GRCh37 (hg19) VCF-style: chr6-83900958-G-A.
Other names: c.30C>T (NM_001199917.1); c.30C>T, p.Ile10= (NM_001199917.2, NM_001367287.1); c.-40+1940C>T (NM_001199918.2); c.-2-225C>T (NM_001367286.1, NM_001199919.2).
Identifiers: ClinVar variation 1134106 (VCV001134106.12), dbSNP rs773094385, ClinGen allele CA3906934.
Genomic context (GRCh38, chr6:83,191,239, plus strand): 5'-AGAATTACCTACAAGATGTTGTCCAACTTGGTATGTCCACTCCTGGGCAGACTCAGGGCA[G>A]ATAGCAGATTGTCCCCACTCTCCTCCCATTTTAGCTCCAGGACTATCCTGGACGCCGGGC-3'